The following is an entry in ClinVar:

ClinVar aggregate classification (germline): Uncertain significance (1 of 4 stars; one submission).

Allele frequency attached by ClinVar (database versions not stated): gnomAD exomes below 0.00001.
gnomAD v4.1: 2 of 1,613,456 alleles (0.00012%); highest among the groups gnomAD compares: Non-Finnish European, 0.00017%; no homozygotes.

Submission:

Labcorp Genetics (formerly Invitae), Labcorp
Classification: Uncertain significance. Last evaluated: 2022-08-20. Review status: criteria provided, single submitter. Criteria: Invitae Variant Classification Sherloc (09022015). Collection method: clinical testing. Allele origin: germline.
Comment: In summary, the available evidence is currently insufficient to determine the role of this variant in disease. Therefore, it has been classified as a Variant of Uncertain Significance. Algorithms developed to predict the effect of missense changes on protein structure and function (SIFT, PolyPhen-2, Align-GVGD) all suggest that this variant is likely to be tolerated. This variant has not been reported in the literature in individuals affected with SEMA4A-related conditions. This variant is not present in population databases (gnomAD no frequency). This sequence change replaces valine, which is neutral and non-polar, with isoleucine, which is neutral and non-polar, at codon 243 of the SEMA4A protein (p.Val243Ile).

NM_022367.4(SEMA4A):c.727G>A (p.Val243Ile)

Gene: SEMA4A (semaphorin 4A; plus strand). Cytogenetic location: 1q22.
Variant type: single nucleotide variant.
Coding change: c.727G>A on transcript NM_022367.4 (MANE Select); coding-DNA position 727, G replaced by A.
Protein change: p.Val243Ile; replaces valine 243 with isoleucine.
Molecular consequence: missense variant.
Genome position (GRCh38, 1-based): chr1:156,160,946, G>A. VCF-style: chr1-156160946-G-A. GRCh37 (hg19) VCF-style: chr1-156130737-G-A.
Other names: c.727G>A, p.Val243Ile (NM_001193300.2, NM_001193301.2, NM_001370567.1); c.331G>A, p.Val111Ile (NM_001193302.2); c.430G>A, p.Val144Ile (NM_001370568.1); c.220G>A, p.Val74Ile (NM_001370569.1, NM_001370571.1); short protein forms V111I, V144I, V243I, V74I.
Identifiers: ClinVar variation 1717086 (VCV001717086.5), dbSNP rs2528165395, ClinGen allele CA342838397.
Genomic context (GRCh38, chr1:156,160,946, plus strand): 5'-ATCTGCCCCTCCCCCGCAGATGACGCCTCCTTTGTGGCAGCCATCCCTTCGACCCAGGTC[G>A]TCTACTTCTTCTTCGAGGAGACAGCCAGCGAGTTTGACTTCTTTGAGAGGCTCCACACAT-3'
Protein context (NP_071762.2, residues 233-253): FVAAIPSTQV[Val243Ile]YFFFEETASE